The following is an entry in ClinVar:

ClinVar aggregate classification (germline): Pathogenic (1 of 4 stars; one submission).

Conditions:
Hereditary cancer-predisposing syndrome. Also called: Neoplastic Syndromes, Hereditary; Tumor predisposition; Hereditary Cancer Syndrome; Hereditary neoplastic syndrome. Identifiers: Orphanet 140162, MedGen C0027672, MeSH D009386, MONDO:0015356.

Submission:

Ambry Genetics
Classification: Pathogenic for Hereditary cancer-predisposing syndrome. Last evaluated: 2024-07-06. Review status: criteria provided, single submitter. Criteria: Ambry Variant Classification Scheme 2023. Collection method: clinical testing. Allele origin: germline.
Comment: The p.S682* pathogenic mutation (also known as c.2045C>A), located in coding exon 5 of the PALB2 gene, results from a C to A substitution at nucleotide position 2045. This changes the amino acid from a serine to a stop codon within coding exon 5. This variant is considered to be rare based on population cohorts in the Genome Aggregation Database (gnomAD). This alteration is expected to result in loss of function by premature protein truncation or nonsense-mediated mRNA decay. As such, this alteration is interpreted as a disease-causing mutation.

NM_024675.4(PALB2):c.2045C>A (p.Ser682Ter)

Gene: PALB2 (partner and localizer of BRCA2; minus strand). Cytogenetic location: 16p12.2.
Variant type: single nucleotide variant.
Coding change: c.2045C>A on transcript NM_024675.4 (MANE Select); coding-DNA position 2045, C replaced by A.
Protein change: p.Ser682Ter; replaces serine 682 with a stop codon.
Molecular consequence: nonsense. On other transcripts: intron variant (1).
Genome position (GRCh38, 1-based): chr16:23,630,109, G>T on the plus strand (C>A on the coding strand, the complement: PALB2 is on the minus strand). VCF-style: chr16-23630109-G-T. GRCh37 (hg19) VCF-style: chr16-23641430-G-T.
Other names: c.2045C>A, p.Ser682Ter (NM_001407298.1, NM_001407299.1, NM_001407300.1 and 3 more transcripts); c.1985C>A, p.Ser662Ter (NM_001407296.1); c.1160C>A, p.Ser387Ter (NM_001407304.1, NM_001407305.1, NM_001407306.1 and 5 more transcripts); c.257C>A, p.Ser86Ter (NM_001407312.1, NM_001407313.1); c.49-834C>A (NM_001407314.1); short protein forms S387*, S662*, S682*, S86*.
Identifiers: ClinVar variation 3413431 (VCV003413431.1).
Genomic context (GRCh38, chr16:23,630,109, plus strand): 5'-ATGGATGAAGAAAGGCCCGTCTTTGTATGCTGGCTTTGCGAGTTTGGCCTTTTGGGATGT[G>T]ATTTTCCTGGTAGAACAATAAGGTCCTCTTCTAAGTCCTCCATTTCTGTATCCATGCGTT-3'